The following is an entry in ClinVar:

NM_000719.7(CACNA1C):c.6337G>A (p.Asp2113Asn)

Genes: CACNA1C (calcium voltage-gated channel subunit alpha1 C; plus strand), CACNA1C-AS1 (CACNA1C antisense RNA 1; minus strand). Cytogenetic location: 12p13.33.
Variant type: single nucleotide variant.
Coding change: c.6337G>A on transcript NM_000719.7 (MANE Select); coding-DNA position 6337, G replaced by A.
Protein change: p.Asp2113Asn; replaces aspartic acid 2113 with asparagine.
Molecular consequence: missense variant. On other transcripts: non-coding transcript variant (1).
Genome position (GRCh38, 1-based): chr12:2,691,119, G>A. VCF-style: chr12-2691119-G-A. GRCh37 (hg19) VCF-style: chr12-2800285-G-A.
Other names: c.6481G>A, p.Asp2161Asn (NM_001129827.2); c.6460G>A, p.Asp2154Asn (NM_001129829.2); c.6442G>A, p.Asp2148Asn (NM_001129830.3, NM_001167624.3); c.6421G>A, p.Asp2141Asn (NM_001129831.2); c.6397G>A, p.Asp2133Asn (NM_001129832.2); c.6394G>A, p.Asp2132Asn (NM_001129833.2, NM_001129834.2, NM_001129835.2); c.6388G>A, p.Asp2130Asn (NM_001129836.2); c.6361G>A, p.Asp2121Asn (NM_001129837.2, NM_001129838.2); and 6 more; short protein forms D2113N, D2130N, D2141N, D2173N, D2102N, D2121N, D2132N, D2161N.
Identifiers: ClinVar variation 1968902 (VCV001968902.5), dbSNP rs565788300, ClinGen allele CA231619899.

ClinVar aggregate classification (germline): Uncertain significance (1 of 4 stars; one submission).

Conditions:
Long QT syndrome (LQTS). Identifiers: MedGen C0023976, MeSH D008133, MONDO:0002442. Disease mechanism: loss of function. Inheritance: Various modes of inheritance.

Allele frequency attached by ClinVar (database versions not stated): gnomAD exomes below 0.00001; gnomAD 0.00001; 1000 Genomes Project 30x 0.00016; 1000 Genomes Project 0.00020.
gnomAD v4.1: 3 of 1,610,116 alleles (0.00019%); highest among the groups gnomAD compares: East Asian, 0.0045%; no homozygotes.

Submission:

Labcorp Genetics (formerly Invitae), Labcorp
Classification: Uncertain significance for Long QT syndrome. Last evaluated: 2022-03-23. Review status: criteria provided, single submitter. Criteria: Invitae Variant Classification Sherloc (09022015). Collection method: clinical testing. Allele origin: germline.
Comment: In summary, the available evidence is currently insufficient to determine the role of this variant in disease. Therefore, it has been classified as a Variant of Uncertain Significance. This sequence change replaces aspartic acid, which is acidic and polar, with asparagine, which is neutral and polar, at codon 2113 of the CACNA1C protein (p.Asp2113Asn). This variant is not present in population databases (gnomAD no frequency). This variant has not been reported in the literature in individuals affected with CACNA1C-related conditions. Algorithms developed to predict the effect of missense changes on protein structure and function output the following: SIFT: "Tolerated"; PolyPhen-2: "Benign"; Align-GVGD: "Class C0". The asparagine amino acid residue is found in multiple mammalian species, which suggests that this missense change does not adversely affect protein function.